The following is an entry in ClinVar:

NM_015545.4(PTCD1):c.2091T>C (p.Leu697=)

Genes: ATP5MF-PTCD1 (ATP5MF-PTCD1 readthrough; minus strand), PTCD1 (pentatricopeptide repeat domain 1; minus strand). Cytogenetic location: 7q22.1.
Variant type: single nucleotide variant.
Coding change: c.2091T>C on transcript NM_015545.4 (MANE Select); coding-DNA position 2091, T replaced by C.
Protein change: p.Leu697=; no amino-acid change (leucine 697 retained).
Molecular consequence: synonymous variant.
Genome position (GRCh38, 1-based): chr7:99,419,979, A>G on the plus strand (T>C on the coding strand, the complement: PTCD1 is on the minus strand). VCF-style: chr7-99419979-A-G. GRCh37 (hg19) VCF-style: chr7-99017602-A-G.
Other names: c.2238T>C, p.Leu746= (NM_001198879.2).
Identifiers: ClinVar variation 2657720 (VCV002657720.24), dbSNP rs146460719, ClinGen allele CA4364672.

ClinVar aggregate classification (germline): Likely benign (1 of 4 stars; one submission).

Allele frequency attached by ClinVar (database versions not stated): 1000 Genomes Project 30x 0.00219; 1000 Genomes Project 0.00280; TOPMed 0.00476; gnomAD 0.00502; ESP Exome Variant Server 0.00561; gnomAD exomes 0.00670; ExAC 0.00684.
gnomAD v4.1: 10,518 of 1,614,212 alleles (0.65%); highest among the groups gnomAD compares: Non-Finnish European, 0.73%; 49 homozygotes.

Submission:

CeGaT Center for Human Genetics Tuebingen
Classification: Likely benign. Last evaluated: 2022-12-01. Review status: criteria provided, single submitter. Criteria: CeGaT Center For Human Genetics Tuebingen Variant Classification Criteria Version 2. Collection method: clinical testing. Allele origin: germline. Affected: yes. Observed: 1 variant allele.
Comment: PTCD1: BP4, BP7, BS2